The following is an entry in ClinVar:

NM_144643.4(SCLT1):c.1613A>C (p.Gln538Pro)

Gene: SCLT1 (sodium channel and clathrin linker 1; minus strand). Cytogenetic location: 4q28.2.
Variant type: single nucleotide variant.
Coding change: c.1613A>C on transcript NM_144643.4 (MANE Select); coding-DNA position 1613, A replaced by C.
Protein change: p.Gln538Pro; replaces glutamine 538 with proline.
Molecular consequence: missense variant.
Genome position (GRCh38, 1-based): chr4:128,943,015, T>G on the plus strand (A>C on the coding strand, the complement: SCLT1 is on the minus strand). VCF-style: chr4-128943015-T-G. GRCh37 (hg19) VCF-style: chr4-129864170-T-G.
Other names: short protein forms Q538P.
Identifiers: ClinVar variation 1431659 (VCV001431659.5), dbSNP rs759187846, ClinGen allele CA3079574.

ClinVar aggregate classification (germline): Uncertain significance. Review status: criteria provided, single submitter (1 of 4 stars). 2 submissions from 2 submitters: Uncertain significance (1). 1 of the submissions does not count toward it. Last evaluated 2025-06-16.

Conditions:
Retinal dystrophy. Also called: Inherited retinal dystrophy. Identifiers: Orphanet 71862, MedGen C0854723, MeSH D058499, MONDO:0019118, HP:0000556.

Allele frequency attached by ClinVar (database versions not stated): gnomAD 0.00001; gnomAD exomes 0.00001; TOPMed 0.00001; ExAC 0.00002.
gnomAD v4.1: 7 of 1,605,422 alleles (0.00044%); highest among the groups gnomAD compares: Non-Finnish European, 0.00059%; no homozygotes.

Submissions (2):

Labcorp Genetics (formerly Invitae), Labcorp
Classification: Uncertain significance. Last evaluated: 2025-06-16. Review status: criteria provided, single submitter. Criteria: Invitae Variant Classification Sherloc (09022015). Collection method: clinical testing. Allele origin: germline.
Comment: This sequence change replaces glutamine, which is neutral and polar, with proline, which is neutral and non-polar, at codon 538 of the SCLT1 protein (p.Gln538Pro). This variant is present in population databases (rs759187846, gnomAD 0.003%). This variant has not been reported in the literature in individuals affected with SCLT1-related conditions. ClinVar contains an entry for this variant (Variation ID: 1431659). An algorithm developed to predict the effect of missense changes on protein structure and function (PolyPhen-2) suggests that this variant is likely to be disruptive. In summary, the available evidence is currently insufficient to determine the role of this variant in disease. Therefore, it has been classified as a Variant of Uncertain Significance.

Institute of Human Genetics, Univ. Regensburg, Univ. Regensburg
Classification: Uncertain significance for Retinal dystrophy. Last evaluated: 2022-01-01. Review status: no assertion criteria provided. Criteria: ACMG Guidelines, 2015. Collection method: clinical testing. Allele origin: germline. Affected: yes. Not counted in ClinVar's aggregate classification.